The following is an entry in ClinVar:

NM_016169.4(SUFU):c.1077del (p.Glu359fs)

Gene: SUFU (SUFU negative regulator of hedgehog signaling; plus strand). Cytogenetic location: 10q24.32.
Variant type: Deletion.
Coding change: c.1077del on transcript NM_016169.4 (MANE Select); coding-DNA position 1077, one base deleted (G; older notation c.1077delG).
Protein change: p.Glu359fs; shifts the reading frame from glutamic acid 359.
Molecular consequence: frameshift variant.
Genome position (GRCh38, 1-based): chr10:102,615,322, G deleted. VCF-style (leftmost placement, unchanged base first): chr10-102615321-AG-A. GRCh37 (hg19) VCF-style: chr10-104375078-AG-A.
Other names: c.1077del, p.Glu359fs (NM_001178133.2); short protein forms E359fs.
Identifiers: ClinVar variation 1457629 (VCV001457629.8), dbSNP rs2135930082, ClinGen allele CA2573145418.

ClinVar aggregate classification (germline): Pathogenic (1 of 4 stars; one submission).

Conditions:
Gorlin syndrome. Also called: Nevoid Basal Cell Carcinoma Syndrome; Basal cell nevus syndrome. Identifiers: Orphanet 377, MedGen C0004779, MONDO:0007187.
Medulloblastoma (MDB). Also called: Medulloblastoma, somatic; MEDULLOBLASTOMA PREDISPOSITION SYNDROME. Identifiers: Orphanet 616, MedGen C0025149, MeSH D008527, MONDO:0007959, OMIM 155255, HP:0002885.

Submission:

Labcorp Genetics (formerly Invitae), Labcorp
Classification: Pathogenic for Gorlin syndrome; Medulloblastoma. Last evaluated: 2023-02-23. Review status: criteria provided, single submitter. Criteria: Invitae Variant Classification Sherloc (09022015). Collection method: clinical testing. Allele origin: germline.
Comment: For these reasons, this variant has been classified as Pathogenic. ClinVar contains an entry for this variant (Variation ID: 1457629). This premature translational stop signal has been observed in individual(s) with medulloblastoma (PMID: 24651015). This variant is not present in population databases (gnomAD no frequency). This sequence change creates a premature translational stop signal (p.Glu359Aspfs*2) in the SUFU gene. It is expected to result in an absent or disrupted protein product. Loss-of-function variants in SUFU are known to be pathogenic (PMID: 22508808, 25403219, 33024317).

Literature cited by the submitters: PubMed 24651015; PubMed 22508808; PubMed 25403219; PubMed 33024317.